The following is an entry in ClinVar:

ClinVar aggregate classification (germline): Uncertain significance (1 of 4 stars; one submission).

Submission:

Ambry Genetics
Classification: Uncertain significance. Last evaluated: 2022-11-17. Review status: criteria provided, single submitter. Criteria: Ambry Variant Classification Scheme 2023. Collection method: clinical testing. Allele origin: germline.
Comment: The p.L301S variant (also known as c.902T>C), located in coding exon 9 of the FAM175A gene, results from a T to C substitution at nucleotide position 902. The leucine at codon 301 is replaced by serine, an amino acid with dissimilar properties. This amino acid position is conserved. In addition, the in silico prediction for this alteration is inconclusive. Since supporting evidence is limited at this time, the clinical significance of this alteration remains unclear.

NM_139076.3(ABRAXAS1):c.902T>C (p.Leu301Ser)

Gene: ABRAXAS1 (abraxas 1, BRCA1 A complex subunit; minus strand). Cytogenetic location: 4q21.23.
Variant type: single nucleotide variant.
Coding change: c.902T>C on transcript NM_139076.3 (MANE Select); coding-DNA position 902, T replaced by C.
Protein change: p.Leu301Ser; replaces leucine 301 with serine.
Molecular consequence: missense variant.
Genome position (GRCh38, 1-based): chr4:83,462,797, A>G on the plus strand (T>C on the coding strand, the complement: ABRAXAS1 is on the minus strand). VCF-style: chr4-83462797-A-G. GRCh37 (hg19) VCF-style: chr4-84383950-A-G.
Other names: c.575T>C, p.Leu192Ser (NM_001345962.2); short protein forms L192S, L301S.
Identifiers: ClinVar variation 2449141 (VCV002449141.2), dbSNP rs2529419172, ClinGen allele CA357256253.